The following is an entry in ClinVar:

NM_006031.6(PCNT):c.285A>C (p.Gly95=)

Gene: PCNT (pericentrin; plus strand). Cytogenetic location: 21q22.3.
Variant type: single nucleotide variant.
Coding change: c.285A>C on transcript NM_006031.6 (MANE Select); coding-DNA position 285, A replaced by C.
Protein change: p.Gly95=; no amino-acid change (glycine 95 retained).
Molecular consequence: synonymous variant. On other transcripts: 5 prime UTR variant (1).
Genome position (GRCh38, 1-based): chr21:46,334,414, A>C. VCF-style: chr21-46334414-A-C. GRCh37 (hg19) VCF-style: chr21-47754328-A-C.
Other names: c.-70A>C (NM_001315529.2).
Identifiers: ClinVar variation 4989126 (VCV004989126.1).

ClinVar aggregate classification (germline): Likely benign (1 of 4 stars; one submission).

Conditions:
PCNT-related disorder. Also called: PCNT-related condition.

gnomAD v4.1: 1 of 1,614,040 alleles (0.000062%); highest among the groups gnomAD compares: Admixed American, 0.0017%; no homozygotes.

Submission:

PreventionGenetics, part of Exact Sciences
Classification: Likely benign for PCNT-related condition. Last evaluated: 2026-04-13. Review status: criteria provided, single submitter. Criteria: ACMG Guidelines, 2015. Collection method: clinical testing. Allele origin: germline.
Comment: This variant is classified as likely benign based on ACMG/AMP sequence variant interpretation guidelines (Richards et al. 2015 PMID: 25741868, with internal and published modifications).